The following is an entry in ClinVar:

ClinVar aggregate classification (germline): Uncertain significance (1 of 4 stars; one submission).

Allele frequency attached by ClinVar (database versions not stated): gnomAD exomes below 0.00001; gnomAD 0.00001; TOPMed 0.00001.
gnomAD v4.1: 2 of 1,557,284 alleles (0.00013%); highest among the groups gnomAD compares: Admixed American, 0.0019%; no homozygotes.

Submission:

Labcorp Genetics (formerly Invitae), Labcorp
Classification: Uncertain significance. Last evaluated: 2021-11-01. Review status: criteria provided, single submitter. Criteria: Invitae Variant Classification Sherloc (09022015). Collection method: clinical testing. Allele origin: germline.
Comment: This sequence change replaces alanine, which is neutral and non-polar, with threonine, which is neutral and polar, at codon 1845 of the MYO18B protein (p.Ala1845Thr). This variant is not present in population databases (gnomAD no frequency). This variant has not been reported in the literature in individuals affected with MYO18B-related conditions. Algorithms developed to predict the effect of missense changes on protein structure and function output the following: SIFT: "Not Available"; PolyPhen-2: "Benign"; Align-GVGD: "Not Available". The threonine amino acid residue is found in multiple mammalian species, which suggests that this missense change does not adversely affect protein function. In summary, the available evidence is currently insufficient to determine the role of this variant in disease. Therefore, it has been classified as a Variant of Uncertain Significance.

NM_032608.7(MYO18B):c.5533G>A (p.Ala1845Thr)

Gene: MYO18B (myosin XVIIIB; plus strand). Cytogenetic location: 22q12.1.
Variant type: single nucleotide variant.
Coding change: c.5533G>A on transcript NM_032608.7 (MANE Select); coding-DNA position 5533, G replaced by A.
Protein change: p.Ala1845Thr; replaces alanine 1845 with threonine.
Molecular consequence: missense variant.
Genome position (GRCh38, 1-based): chr22:25,946,152, G>A. VCF-style: chr22-25946152-G-A. GRCh37 (hg19) VCF-style: chr22-26342118-G-A.
Other names: c.5536G>A, p.Ala1846Thr (NM_001318245.2); short protein forms A1845T, A1846T.
Identifiers: ClinVar variation 1444061 (VCV001444061.3), dbSNP rs2092710560, ClinGen allele CA411007646.